The following is an entry in ClinVar:

ClinVar aggregate classification (germline): Uncertain significance (1 of 4 stars; one submission).

Conditions:
Inborn genetic diseases. Identifiers: MedGen C0950123, MeSH D030342.

gnomAD v4.1: 1 of 1,614,142 alleles (0.000062%); no homozygotes.

Submission:

Ambry Genetics
Classification: Uncertain significance for Inborn genetic diseases. Last evaluated: 2025-05-13. Review status: criteria provided, single submitter. Criteria: Ambry Variant Classification Scheme 2023. Collection method: clinical testing. Allele origin: germline.
Comment: The p.M467L variant (also known as c.1399A>T), located in coding exon 6 of the MBD4 gene, results from an A to T substitution at nucleotide position 1399. The methionine at codon 467 is replaced by leucine, an amino acid with highly similar properties. This amino acid position is highly conserved in available vertebrate species. In addition, the in silico prediction for this alteration is inconclusive. Based on the available evidence, the clinical significance of this variant remains unclear.

NM_001276270.2(MBD4):c.1399A>T (p.Met467Leu)

Gene: MBD4 (methyl-CpG binding domain 4, DNA glycosylase; minus strand). Cytogenetic location: 3q21.3.
Variant type: single nucleotide variant.
Coding change: c.1399A>T on transcript NM_001276270.2 (MANE Select); coding-DNA position 1399, A replaced by T.
Protein change: p.Met467Leu; replaces methionine 467 with leucine.
Molecular consequence: missense variant.
Genome position (GRCh38, 1-based): chr3:129,433,242, T>A on the plus strand (A>T on the coding strand, the complement: MBD4 is on the minus strand). VCF-style: chr3-129433242-T-A. GRCh37 (hg19) VCF-style: chr3-129152085-T-A.
Other names: c.1417A>T, p.Met473Leu (NM_001276271.2, NM_001276272.2, NM_003925.3); c.463A>T, p.Met155Leu (NM_001276273.2); short protein forms M467L, M155L, M473L.
Identifiers: ClinVar variation 4052216 (VCV004052216.1).
Genomic context (GRCh38, chr3:129,433,242, plus strand): 5'-TTCTTGCTACCTCAGCTGAAGGATACTTCTCCAGAAACTTCCAAAGCACAGGTATTGCCA[T>A]TTTGCCTGGGAAGTAAAAGTAACTGAATGATTACAAGACTCCAGGTGGGCTGATTTCATG-3'
Protein context (NP_001263199.1, residues 457-477): TIFLNRTSGK[Met467Leu]AIPVLWKFLE